The following is an entry in ClinVar:

ClinVar aggregate classification (germline): Uncertain significance (1 of 4 stars; one submission).

Conditions:
Hereditary cancer-predisposing syndrome. Also called: Neoplastic Syndromes, Hereditary; Tumor predisposition; Hereditary Cancer Syndrome; Hereditary neoplastic syndrome. Identifiers: Orphanet 140162, MedGen C0027672, MeSH D009386, MONDO:0015356.

Submission:

Ambry Genetics
Classification: Uncertain significance for Hereditary cancer-predisposing syndrome. Last evaluated: 2021-12-11. Review status: criteria provided, single submitter. Criteria: Ambry Variant Classification Scheme 2023. Collection method: clinical testing. Allele origin: germline.
Comment: The p.Q125K variant (also known as c.373C>A), located in coding exon 5 of the POLE gene, results from a C to A substitution at nucleotide position 373. The glutamine at codon 125 is replaced by lysine, an amino acid with similar properties. This amino acid position is conserved. In addition, this alteration is predicted to be tolerated by in silico analysis. Since supporting evidence is limited at this time, the clinical significance of this alteration remains unclear.

NM_006231.4(POLE):c.373C>A (p.Gln125Lys)

Gene: POLE (DNA polymerase epsilon, catalytic subunit; minus strand). Cytogenetic location: 12q24.33.
Variant type: single nucleotide variant.
Coding change: c.373C>A on transcript NM_006231.4 (MANE Select); coding-DNA position 373, C replaced by A.
Protein change: p.Gln125Lys; replaces glutamine 125 with lysine.
Molecular consequence: missense variant.
Genome position (GRCh38, 1-based): chr12:132,680,004, G>T on the plus strand (C>A on the coding strand, the complement: POLE is on the minus strand). VCF-style: chr12-132680004-G-T. GRCh37 (hg19) VCF-style: chr12-133256590-G-T.
Other names: short protein forms Q125K.
Identifiers: ClinVar variation 1734456 (VCV001734456.2), dbSNP rs2542190539, ClinGen allele CA387368104.